The following is an entry in ClinVar:

ClinVar aggregate classification (germline): Uncertain significance (1 of 4 stars; one submission).

Submission:

GeneDx
Classification: Uncertain significance. Last evaluated: 2024-03-26. Review status: criteria provided, single submitter. Criteria: GeneDx Variant Classification Process June 2021. Collection method: clinical testing. Allele origin: germline. Affected: yes.
Comment: Not observed at significant frequency in large population cohorts (gnomAD); In silico analysis supports that this missense variant has a deleterious effect on protein structure/function; In silico analysis is inconclusive as to whether the variant alters gene splicing. In the absence of RNA/functional studies, the actual effect of this sequence change is unknown.; Has not been previously published as pathogenic or benign to our knowledge

NM_005618.4(DLL1):c.754C>G (p.Arg252Gly)

Gene: DLL1 (delta like canonical Notch ligand 1; minus strand). Cytogenetic location: 6q27.
Variant type: single nucleotide variant.
Coding change: c.754C>G on transcript NM_005618.4 (MANE Select); coding-DNA position 754, C replaced by G.
Protein change: p.Arg252Gly; replaces arginine 252 with glycine.
Molecular consequence: missense variant.
Genome position (GRCh38, 1-based): chr6:170,285,677, G>C on the plus strand (C>G on the coding strand, the complement: DLL1 is on the minus strand). VCF-style: chr6-170285677-G-C. GRCh37 (hg19) VCF-style: chr6-170594765-G-C.
Other names: short protein forms R252G.
Identifiers: ClinVar variation 3371484 (VCV003371484.1).
Genomic context (GRCh38, chr6:170,285,677, plus strand): 5'-AGGGCTGCTGGCAGGTGCCATGGAGACAGCCTGGATAGCGGATACACTCGTCACAGTACC[G>C]GCCCTGCCAGCCCACTCTGCACCTTGGAGAAAAGCAGAAGACTCAGATGGACGTTGACTG-3'
Protein context (NP_005609.3, residues 242-262): ECKCRVGWQG[Arg252Gly]YCDECIRYPG